The following is an entry in ClinVar:

ClinVar aggregate classification (germline): Uncertain significance (1 of 4 stars; one submission).

Submission:

Ambry Genetics
Classification: Uncertain significance. Last evaluated: 2024-10-12. Review status: criteria provided, single submitter. Criteria: Ambry Variant Classification Scheme 2023. Collection method: clinical testing. Allele origin: germline.
Comment: The p.L97P variant (also known as c.290T>C), located in coding exon 4 of the BUB1 gene, results from a T to C substitution at nucleotide position 290. The leucine at codon 97 is replaced by proline, an amino acid with similar properties. This amino acid position is conserved. In addition, this alteration is predicted to be tolerated by in silico analysis. Based on the available evidence, the clinical significance of this variant remains unclear.

NM_004336.5(BUB1):c.290T>C (p.Leu97Pro)

Gene: BUB1 (BUB1 mitotic checkpoint serine/threonine kinase; minus strand). Cytogenetic location: 2q13.
Variant type: single nucleotide variant.
Coding change: c.290T>C on transcript NM_004336.5 (MANE Select); coding-DNA position 290, T replaced by C.
Protein change: p.Leu97Pro; replaces leucine 97 with proline.
Molecular consequence: missense variant.
Genome position (GRCh38, 1-based): chr2:110,672,793, A>G on the plus strand (T>C on the coding strand, the complement: BUB1 is on the minus strand). VCF-style: chr2-110672793-A-G. GRCh37 (hg19) VCF-style: chr2-111430370-A-G.
Other names: c.230T>C, p.Leu77Pro (NM_001278616.2); c.290T>C, p.Leu97Pro (NM_001278617.2); short protein forms L77P, L97P.
Identifiers: ClinVar variation 3483074 (VCV003483074.1).